The following is an entry in ClinVar:

ClinVar aggregate classification (germline): Uncertain significance. Review status: criteria provided, multiple submitters, no conflicts (2 of 4 stars). 2 submissions from 2 submitters: Uncertain significance (2). Last evaluated 2026-04-09.

Conditions:
Inborn genetic diseases. Identifiers: MedGen C0950123, MeSH D030342.

gnomAD v4.1: 6 of 1,614,066 alleles (0.00037%); highest among the groups gnomAD compares: Middle Eastern, 0.016%; no homozygotes.

Submissions (2):

GeneDx
Classification: Uncertain significance. Last evaluated: 2026-04-09. Review status: criteria provided, single submitter. Criteria: GeneDx Variant Classification Process June 2021. Collection method: clinical testing. Allele origin: germline.
Comment: Not observed at significant frequency in large population cohorts (gnomAD); In silico analysis supports that this missense variant has a deleterious effect on protein structure/function; Has not been previously published as pathogenic or benign to our knowledge

Ambry Genetics
Classification: Uncertain significance for Inborn genetic diseases. Last evaluated: 2025-10-18. Review status: criteria provided, single submitter. Criteria: Ambry Variant Classification Scheme 2023. Collection method: clinical testing. Allele origin: germline.

NM_001379659.1(ZNF142):c.1918G>T (p.Asp640Tyr)

Gene: ZNF142 (zinc finger protein 142; minus strand). Cytogenetic location: 2q35.
Variant type: single nucleotide variant.
Coding change: c.1918G>T on transcript NM_001379659.1 (MANE Select); coding-DNA position 1918, G replaced by T.
Protein change: p.Asp640Tyr; replaces aspartic acid 640 with tyrosine.
Molecular consequence: missense variant.
Genome position (GRCh38, 1-based): chr2:218,646,304, C>A on the plus strand (G>T on the coding strand, the complement: ZNF142 is on the minus strand). VCF-style: chr2-218646304-C-A. GRCh37 (hg19) VCF-style: chr2-219511027-C-A.
Other names: c.1318G>T (NM_001105537.2); c.1318G>T, p.Asp440Tyr (NM_001105537.5, NM_001366291.3, NM_001379662.1); c.829G>T, p.Asp277Tyr (NM_001366287.3, NM_001366288.3, NM_001366289.3); c.1918G>T, p.Asp640Tyr (NM_001366290.3, NM_001379660.1, NM_001379661.1); short protein forms D277Y, D640Y, D440Y.
Identifiers: ClinVar variation 4635114 (VCV004635114.2).